The following is an entry in ClinVar:

NM_001267550.2(TTN):c.41920G>A (p.Val13974Ile)

Gene: TTN (titin; minus strand). Cytogenetic location: 2q31.2.
Variant type: single nucleotide variant.
Coding change: c.41920G>A on transcript NM_001267550.2 (MANE Select); coding-DNA position 41920, G replaced by A.
Protein change: p.Val13974Ile; replaces valine 13974 with isoleucine.
Molecular consequence: missense variant.
Genome position (GRCh38, 1-based): chr2:178,635,269, C>T on the plus strand (G>A on the coding strand, the complement: TTN is on the minus strand). VCF-style: chr2-178635269-C-T. GRCh37 (hg19) VCF-style: chr2-179499996-C-T.
Other names: p.V12333I:GTT>ATT; c.34216G>A, p.Val11406Ile (NM_133378.4); c.36997G>A, p.Val12333Ile (NM_001256850.1); c.14725G>A, p.Val4909Ile (NM_003319.4); c.15100G>A, p.Val5034Ile (NM_133432.3); c.15301G>A, p.Val5101Ile (NM_133437.4); short protein forms V13974I, V12333I, V5034I, V4909I, V5101I.
Identifiers: ClinVar variation 96287 (VCV000096287.12), dbSNP rs373881831, ClinGen allele CA285774.
Genomic context (GRCh38, chr2:178,635,269, plus strand): 5'-GAATGTCTGCCTCTGAGATTTCTGCATCAAAGCTTGCACTTTCTTTCTCATAAATGGTAA[C>T]GTCCTCTATTGGTTTAAGCAGTTCAACTTCACGCTCTGTATTGGTCAGGGATGAAGTAAC-3'
Protein context (NP_001254479.2, residues 13964-13984): EVELLKPIED[Val13974Ile]TIYEKESASF

ClinVar aggregate classification (germline): Conflicting classifications of pathogenicity. Review status: criteria provided, conflicting classifications (1 of 4 stars). 4 submissions from 4 submitters: Uncertain significance (3); Likely benign (1). Last evaluated 2026-01-12.

Conditions:
TTN-related disorder. Also called: TTN-related disorders; TTN-related condition; TTN-related disease.
Cardiovascular phenotype. Identifiers: MedGen CN230736.

Allele frequency attached by ClinVar (database versions not stated): gnomAD exomes 0.00004 and 0.00003; gnomAD 0.00005 and 0.00004; TOPMed 0.00005; ExAC 0.00002; ESP Exome Variant Server 0.00017.
gnomAD v4.1: 54 of 1,613,162 alleles (0.0033%); highest among the groups gnomAD compares: African/African-American, 0.004%; 1 homozygote.

Submissions (4):

PreventionGenetics, part of Exact Sciences
Classification: Uncertain significance for TTN-related condition. Last evaluated: 2026-01-12. Review status: criteria provided, single submitter. Criteria: ACMG Guidelines, 2015. Collection method: clinical testing. Allele origin: germline.
Comment: The TTN c.41920G>A variant is predicted to result in the amino acid substitution p.Val13974Ile. To our knowledge, this variant has not been reported in the literature. This variant is reported in 0.0083% of alleles in individuals of African descent in gnomAD. At this time, the clinical significance of this variant is uncertain due to the absence of conclusive functional and genetic evidence.

GeneDx
Classification: Likely benign. Last evaluated: 2021-06-18. Review status: criteria provided, single submitter. Criteria: GeneDx Variant Classification Process June 2021. Collection method: clinical testing. Allele origin: germline. Affected: yes.
Comment: Missense variant in a gene in which most reported pathogenic variants are truncating/loss-of-function; Has not been previously published as pathogenic or benign to our knowledge

Ambry Genetics
Classification: Uncertain significance for Cardiovascular phenotype. Last evaluated: 2019-10-07. Review status: criteria provided, single submitter. Criteria: Ambry Variant Classification Scheme 2023. Collection method: clinical testing. Allele origin: germline.
Comment: The p.V4909I variant (also known as c.14725G>A), located in coding exon 55 of the TTN gene, results from a G to A substitution at nucleotide position 14725. The valine at codon 4909 is replaced by isoleucine, an amino acid with highly similar properties. This amino acid position is highly conserved in available vertebrate species. In addition, this alteration is predicted to be tolerated by in silico analysis. Since supporting evidence is limited at this time, the clinical significance of this alteration remains unclear.

Eurofins Ntd Llc (ga)
Classification: Uncertain significance. Last evaluated: 2013-03-12. Review status: criteria provided, single submitter. Criteria: EGL Classification Definitions 2015. Collection method: clinical testing. Allele origin: germline. Observed: 1 variant allele, 1 heterozygote.